The following is an entry in ClinVar:

NM_058195.4(CDKN2A):c.110C>G (p.Pro37Arg)

Gene: CDKN2A (cyclin dependent kinase inhibitor 2A; minus strand). Cytogenetic location: 9p21.3.
Variant type: single nucleotide variant.
Coding change: c.110C>G on transcript NM_058195.4 (MANE Plus Clinical); coding-DNA position 110, C replaced by G.
Protein change: p.Pro37Arg; replaces proline 37 with arginine.
Molecular consequence: missense variant. On other transcripts: intron variant (1).
Genome position (GRCh38, 1-based): chr9:21,994,222, G>C on the plus strand (C>G on the coding strand, the complement: CDKN2A is on the minus strand). VCF-style: chr9-21994222-G-C. GRCh37 (hg19) VCF-style: chr9-21994221-G-C.
Other names: c.-4+599C>G (NM_001363763.2); short protein forms P37R.
Identifiers: ClinVar variation 1043651 (VCV001043651.6), dbSNP rs1361441265, ClinGen allele CA373086924.

ClinVar aggregate classification (germline): Uncertain significance. Review status: criteria provided, multiple submitters, no conflicts (2 of 4 stars). 2 submissions from 2 submitters: Uncertain significance (2). Last evaluated 2024-07-29.

Conditions:
Familial melanoma. Also called: Hereditary melanoma; Hereditary cutaneous melanoma. Identifiers: Orphanet 618, MedGen C1512419, MONDO:0018961.
Hereditary cancer-predisposing syndrome. Also called: Neoplastic Syndromes, Hereditary; Tumor predisposition; Hereditary Cancer Syndrome; Hereditary neoplastic syndrome. Identifiers: Orphanet 140162, MedGen C0027672, MeSH D009386, MONDO:0015356.

Submissions (2):

Ambry Genetics
Classification: Uncertain significance for Hereditary cancer-predisposing syndrome. Last evaluated: 2024-07-29. Review status: criteria provided, single submitter. Criteria: Ambry Variant Classification Scheme 2023. Collection method: clinical testing. Allele origin: germline.
Comment: The p.P37R variant (also known as c.110C>G), located in coding exon 1 of the CDKN2A (p14ARF) gene, results from a C to G substitution at nucleotide position 110. The proline at codon 37 is replaced by arginine, an amino acid with dissimilar properties. This amino acid position is not well conserved in available vertebrate species. Based on the available evidence, the clinical significance of this variant remains unclear.

Labcorp Genetics (formerly Invitae), Labcorp
Classification: Uncertain significance for Familial melanoma. Last evaluated: 2021-08-12. Review status: criteria provided, single submitter. Criteria: Invitae Variant Classification Sherloc (09022015). Collection method: clinical testing. Allele origin: germline.